The following is an entry in ClinVar:

NM_032444.4(SLX4):c.4157A>G (p.Gln1386Arg)

Gene: SLX4 (SLX4 structure-specific endonuclease subunit; minus strand). Cytogenetic location: 16p13.3.
Variant type: single nucleotide variant.
Coding change: c.4157A>G on transcript NM_032444.4 (MANE Select); coding-DNA position 4157, A replaced by G.
Protein change: p.Gln1386Arg; replaces glutamine 1386 with arginine.
Molecular consequence: missense variant.
Genome position (GRCh38, 1-based): chr16:3,589,481, T>C on the plus strand (A>G on the coding strand, the complement: SLX4 is on the minus strand). VCF-style: chr16-3589481-T-C. GRCh37 (hg19) VCF-style: chr16-3639482-T-C.
Other names: short protein forms Q1386R.
Identifiers: ClinVar variation 1345105 (VCV001345105.7), dbSNP rs774060802, ClinGen allele CA7865717.

ClinVar aggregate classification (germline): Uncertain significance. Review status: criteria provided, multiple submitters, no conflicts (2 of 4 stars). 3 submissions from 3 submitters: Uncertain significance (3). Last evaluated 2025-04-17.

Conditions:
Fanconi anemia (FA). Also called: Fanconi's anemia. Identifiers: Orphanet 84, MedGen C0015625, MeSH D005199, MONDO:0019391.
Fanconi anemia complementation group P. Also called: SLX4-Related Fanconi Anemia. Identifiers: Orphanet 84, MedGen C3469542, MONDO:0013499, OMIM 613951.

Allele frequency attached by ClinVar (database versions not stated): gnomAD 0.00004 and 0.00003; TOPMed 0.00004; gnomAD exomes 0.00001; ExAC 0.00001.
gnomAD v4.1: 14 of 1,609,248 alleles (0.00087%); highest among the groups gnomAD compares: Admixed American, 0.01%; no homozygotes.

Submissions (3):

Dasa
Classification: Uncertain significance. Last evaluated: 2025-04-17. Review status: criteria provided, single submitter. Criteria: DASA Assertion Criteria. Collection method: clinical testing. Allele origin: germline.
Comment: NM_032444.4(SLX4):c.4157A>G (p.Gln1386Arg) is a missense variant that results in the substitution of glutamine with arginine. This variant is rare in population databases. Computational prediction algorithms are consistent with a benign effect. The currently available literature and clinical evidence are not sufficient to establish a definitive association between this variant and the reported condition. Therefore, this variant is classified as a variant of uncertain significance.

Fulgent Genetics
Classification: Uncertain significance for Fanconi anemia complementation group P. Last evaluated: 2024-05-21. Review status: criteria provided, single submitter. Criteria: ACMG Guidelines, 2015. Collection method: clinical testing. Allele origin: germline.

Labcorp Genetics (formerly Invitae), Labcorp
Classification: Uncertain significance for Fanconi anemia. Last evaluated: 2023-09-10. Review status: criteria provided, single submitter. Criteria: Invitae Variant Classification Sherloc (09022015). Collection method: clinical testing. Allele origin: germline.
Comment: This sequence change replaces glutamine, which is neutral and polar, with arginine, which is basic and polar, at codon 1386 of the SLX4 protein (p.Gln1386Arg). This variant is present in population databases (rs774060802, gnomAD 0.01%). This variant has not been reported in the literature in individuals affected with SLX4-related conditions. ClinVar contains an entry for this variant (Variation ID: 1345105). Algorithms developed to predict the effect of missense changes on protein structure and function output the following: SIFT: "Not Available"; PolyPhen-2: "Possibly Damaging"; Align-GVGD: "Not Available". The arginine amino acid residue is found in multiple mammalian species, which suggests that this missense change does not adversely affect protein function. In summary, the available evidence is currently insufficient to determine the role of this variant in disease. Therefore, it has been classified as a Variant of Uncertain Significance.